The following is an entry in ClinVar:

NM_001384140.1(PCDH15):c.4307C>G (p.Pro1436Arg)

Gene: PCDH15 (protocadherin related 15; minus strand). Cytogenetic location: 10q21.1.
Variant type: single nucleotide variant.
Coding change: c.4307C>G on transcript NM_001384140.1 (MANE Select); coding-DNA position 4307, C replaced by G.
Protein change: p.Pro1436Arg; replaces proline 1436 with arginine.
Molecular consequence: missense variant.
Genome position (GRCh38, 1-based): chr10:53,827,453, G>C on the plus strand (C>G on the coding strand, the complement: PCDH15 is on the minus strand). VCF-style: chr10-53827453-G-C. GRCh37 (hg19) VCF-style: chr10-55587213-G-C.
Other names: c.4322C>G, p.Pro1441Arg (NM_001142763.2, NM_001142771.2); c.4307C>G, p.Pro1436Arg (NM_001142764.2, NM_001142770.3, NM_001142772.2 and 3 more transcripts); c.4094C>G, p.Pro1365Arg (NM_001142765.2); c.4298C>G, p.Pro1433Arg (NM_001142766.2); c.4187C>G, p.Pro1396Arg (NM_001142767.2); c.4241C>G, p.Pro1414Arg (NM_001142768.2, NM_001354404.2); c.4343C>G, p.Pro1448Arg (NM_001142769.4); c.4232C>G, p.Pro1411Arg (NM_001142773.2); and 1 more; short protein forms P1365R, P1414R, P1436R, P1396R, P1443R, P1448R, P1433R, P1411R.
Identifiers: ClinVar variation 1965211 (VCV001965211.6), dbSNP rs555694787, ClinGen allele CA5505376.

ClinVar aggregate classification (germline): Uncertain significance. Review status: criteria provided, multiple submitters, no conflicts (2 of 4 stars). 2 submissions from 2 submitters: Uncertain significance (2). Last evaluated 2022-12-27.

Allele frequency attached by ClinVar (database versions not stated): 1000 Genomes Project 0.00040; 1000 Genomes Project 30x 0.00062.
gnomAD v4.1: 4 of 1,613,548 alleles (0.00025%); highest among the groups gnomAD compares: African/African-American, 0.0027%; no homozygotes.

Submissions (2):

GeneDx
Classification: Uncertain significance. Last evaluated: 2022-12-27. Review status: criteria provided, single submitter. Criteria: GeneDx Variant Classification Process June 2021. Collection method: clinical testing. Allele origin: germline. Affected: yes.

Labcorp Genetics (formerly Invitae), Labcorp
Classification: Uncertain significance. Last evaluated: 2022-04-07. Review status: criteria provided, single submitter. Criteria: Invitae Variant Classification Sherloc (09022015). Collection method: clinical testing. Allele origin: germline.
Comment: This variant has not been reported in the literature in individuals affected with PCDH15-related conditions. In summary, the available evidence is currently insufficient to determine the role of this variant in disease. Therefore, it has been classified as a Variant of Uncertain Significance. Algorithms developed to predict the effect of missense changes on protein structure and function are either unavailable or do not agree on the potential impact of this missense change (SIFT: "Deleterious"; PolyPhen-2: "Possibly Damaging"; Align-GVGD: "Class C0"). This variant is present in population databases (rs555694787, gnomAD 0.007%). This sequence change replaces proline, which is neutral and non-polar, with arginine, which is basic and polar, at codon 1436 of the PCDH15 protein (p.Pro1436Arg).